The following is an entry in ClinVar:

NM_013450.4(BAZ2B):c.403G>A (p.Gly135Arg)

Gene: BAZ2B (bromodomain adjacent to zinc finger domain 2B; minus strand). Cytogenetic location: 2q24.2.
Variant type: single nucleotide variant.
Coding change: c.403G>A on transcript NM_013450.4 (MANE Select); coding-DNA position 403, G replaced by A.
Protein change: p.Gly135Arg; replaces glycine 135 with arginine.
Molecular consequence: missense variant.
Genome position (GRCh38, 1-based): chr2:159,448,341, C>T on the plus strand (G>A on the coding strand, the complement: BAZ2B is on the minus strand). VCF-style: chr2-159448341-C-T. GRCh37 (hg19) VCF-style: chr2-160304852-C-T.
Other names: c.397G>A, p.Gly133Arg (NM_001289975.1); c.214G>A, p.Gly72Arg (NM_001329857.2); c.403G>A, p.Gly135Arg (NM_001329858.2); short protein forms G133R, G135R, G72R.
Identifiers: ClinVar variation 3769891 (VCV003769891.2).
Genomic context (GRCh38, chr2:159,448,341, plus strand): 5'-TTGAATGGAATGAAGAAGAATCATGATTCTGGGCTGGGGGAGCAAATAGTGGTGGAATTC[C>T]CAGTAATGGTGGAAAGAAGGTTGCTCCTGTACGAGTATGAGCATCAGTTGTTCGCCACCA-3'
Protein context (NP_038478.2, residues 125-145): TGATFFPPLL[Gly135Arg]IPPLFAPPAQ

ClinVar aggregate classification (germline): Uncertain significance (1 of 4 stars; one submission).

Submission:

GeneDx
Classification: Uncertain significance. Last evaluated: 2025-08-15. Review status: criteria provided, single submitter. Criteria: GeneDx Variant Classification Process June 2021. Collection method: clinical testing. Allele origin: germline.
Comment: Not observed at significant frequency in large population cohorts (gnomAD); In silico analysis supports that this missense variant has a deleterious effect on protein structure/function; Has not been previously published as pathogenic or benign to our knowledge